The following is an entry in ClinVar:

NM_000051.4(ATM):c.2798C>G (p.Ser933Cys)

Gene: ATM (ATM serine/threonine kinase; plus strand). Cytogenetic location: 11q22.3.
Variant type: single nucleotide variant.
Coding change: c.2798C>G on transcript NM_000051.4 (MANE Select); coding-DNA position 2798, C replaced by G.
Protein change: p.Ser933Cys; replaces serine 933 with cysteine.
Molecular consequence: missense variant.
Genome position (GRCh38, 1-based): chr11:108,268,569, C>G. VCF-style: chr11-108268569-C-G. GRCh37 (hg19) VCF-style: chr11-108139296-C-G.
Other names: c.2798C>G, p.Ser933Cys (NM_001351834.2); short protein forms S933C.
Identifiers: ClinVar variation 453434 (VCV000453434.9), dbSNP rs56087610, ClinGen allele CA228407758.

ClinVar aggregate classification (germline): Uncertain significance. Review status: criteria provided, multiple submitters, no conflicts (2 of 4 stars). 4 submissions from 4 submitters: Uncertain significance (4). Last evaluated 2026-07-24.

Conditions:
Ataxia-telangiectasia syndrome (AT). Also called: LOUIS-BAR SYNDROME; Ataxia telangiectasia (A-T); ATAXIA-TELANGIECTASIA, COMPLEMENTATION GROUP A; ATAXIA-TELANGIECTASIA, FRESNO VARIANT; Ataxia-telangiectasia; Ataxia-telangiectasia, complementation group E. Identifiers: Orphanet 100, MedGen C0004135, MONDO:0008840, OMIM 208900.
Hereditary cancer-predisposing syndrome. Also called: Neoplastic Syndromes, Hereditary; Hereditary Cancer Syndrome; Hereditary neoplastic syndrome; Tumor predisposition. Identifiers: Orphanet 140162, MedGen C0027672, MeSH D009386, MONDO:0015356.
Familial cancer of breast. Also called: BREAST CANCER, FAMILIAL; Hereditary breast cancer; hereditary breast carcinoma. Identifiers: Orphanet 227535, MedGen C0346153, MONDO:0016419, OMIM 114480. Disease mechanism: loss of function.

Allele frequency attached by ClinVar (database versions not stated): gnomAD exomes below 0.00001; gnomAD 0.00001.
gnomAD v4.1: 2 of 1,613,930 alleles (0.00012%); highest among the groups gnomAD compares: Non-Finnish European, 0.00017%; no homozygotes.

Submissions (4):

Institut für angewandte Humangenetik und Onkogenetik Professor Froster
Classification: Uncertain significance for Familial cancer of breast. Last evaluated: 2026-07-24. Review status: criteria provided, single submitter. Criteria: ACMG Guidelines, 2015. Collection method: clinical testing. Allele origin: germline. Affected: yes. Observed: 1 variant allele.
Comment: This missense variant results in a substitution of serine with cysteine at codon 933 of the ATM protein. Computational prediction supports a benign effect (REVEL: 0.14, PolyPhen-2: 0.227, BayesDel_noAF: -0.32) of this variant on protein function. The variant is present at a frequency of 6.4e-5 in the population database (gnomAD v2.1.1). The variant has not been reported in the literature within patients impacted with ATM-associated disorders. No functional studies evaluating the impact of this variant have been reported. Segregation analysis could not be performed. The currently available evidence does not suffice to conclusively determine the role of this variant in disease, therefore, it is classified as a Variant of Uncertain Significance (PM2_SUP, BP4_SUP)

Ambry Genetics
Classification: Uncertain significance for Hereditary cancer-predisposing syndrome. Last evaluated: 2024-02-23. Review status: criteria provided, single submitter. Criteria: Ambry Variant Classification Scheme 2023. Collection method: clinical testing. Allele origin: germline.
Comment: The p.S933C variant (also known as c.2798C>G), located in coding exon 17 of the ATM gene, results from a C to G substitution at nucleotide position 2798. The serine at codon 933 is replaced by cysteine, an amino acid with dissimilar properties. This amino acid position is conserved. In addition, this alteration is predicted to be tolerated by in silico analysis. Based on the available evidence, the clinical significance of this alteration remains unclear.

Baylor Genetics
Classification: Uncertain significance for Familial cancer of breast. Last evaluated: 2023-06-22. Review status: criteria provided, single submitter. Criteria: ACMG Guidelines, 2015. Collection method: clinical testing. Allele origin: unknown.

Labcorp Genetics (formerly Invitae), Labcorp
Classification: Uncertain significance for Ataxia-telangiectasia syndrome. Last evaluated: 2021-09-01. Review status: criteria provided, single submitter. Criteria: Invitae Variant Classification Sherloc (09022015). Collection method: clinical testing. Allele origin: germline.
Comment: This sequence change replaces serine with cysteine at codon 933 of the ATM protein (p.Ser933Cys). The serine residue is weakly conserved and there is a moderate physicochemical difference between serine and cysteine. This variant is not present in population databases (ExAC no frequency). This variant has not been reported in the literature in individuals affected with ATM-related conditions. Algorithms developed to predict the effect of missense changes on protein structure and function (SIFT, PolyPhen-2, Align-GVGD) all suggest that this variant is likely to be tolerated. In summary, the available evidence is currently insufficient to determine the role of this variant in disease. Therefore, it has been classified as a Variant of Uncertain Significance.